The following is an entry in ClinVar:

ClinVar aggregate classification (germline): Uncertain significance (1 of 4 stars; one submission).

Submission:

GeneDx
Classification: Uncertain significance. Last evaluated: 2024-06-06. Review status: criteria provided, single submitter. Criteria: GeneDx Variant Classification Process June 2021. Collection method: clinical testing. Allele origin: germline. Affected: yes.
Comment: Not observed at significant frequency in large population cohorts (gnomAD); In silico analysis supports that this missense variant has a deleterious effect on protein structure/function; Has not been previously published as pathogenic or benign to our knowledge

NM_001394062.1(MACF1):c.17432C>T (p.Thr5811Ile)

Gene: MACF1 (microtubule actin crosslinking factor 1; plus strand). Cytogenetic location: 1p34.3.
Variant type: single nucleotide variant.
Coding change: c.17432C>T on transcript NM_001394062.1 (MANE Select); coding-DNA position 17432, C replaced by T.
Protein change: p.Thr5811Ile; replaces threonine 5811 with isoleucine.
Molecular consequence: missense variant.
Genome position (GRCh38, 1-based): chr1:39,432,629, C>T. VCF-style: chr1-39432629-C-T. GRCh37 (hg19) VCF-style: chr1-39898301-C-T.
Other names: c.5501C>T, p.Thr1834Ile (NM_001397473.1); c.11246C>T, p.Thr3749Ile (NM_012090.5); short protein forms T1834I, T3749I, T5811I.
Identifiers: ClinVar variation 3384536 (VCV003384536.1).